The following is an entry in ClinVar:

ClinVar aggregate classification (germline): Uncertain significance (1 of 4 stars; one submission).

Conditions:
Orthostatic hypotension 1 (ORTHYP1). Also called: NORADRENALINE DEFICIENCY; NOREPINEPHRINE DEFICIENCY; Dopamine beta-hydroxylase deficiency; Orthostatic hypotension 1, due to DBH deficiency. Identifiers: Orphanet 230, MedGen C4746777, MONDO:0009123, OMIM 223360.

Allele frequency attached by ClinVar (database versions not stated): gnomAD exomes below 0.00001; gnomAD 0.00001; TOPMed 0.00001.
gnomAD v4.1: 7 of 1,610,866 alleles (0.00043%); highest among the groups gnomAD compares: Admixed American, 0.0017%; no homozygotes.

Submission:

Labcorp Genetics (formerly Invitae), Labcorp
Classification: Uncertain significance for Orthostatic hypotension 1. Last evaluated: 2021-08-14. Review status: criteria provided, single submitter. Criteria: Invitae Variant Classification Sherloc (09022015). Collection method: clinical testing. Allele origin: germline.
Comment: This sequence change replaces serine with asparagine at codon 9 of the DBH protein (p.Ser9Asn). The serine residue is weakly conserved and there is a small physicochemical difference between serine and asparagine. This variant is not present in population databases (ExAC no frequency). This variant has not been reported in the literature in individuals affected with DBH-related conditions. Algorithms developed to predict the effect of missense changes on protein structure and function (SIFT, PolyPhen-2, Align-GVGD) all suggest that this variant is likely to be tolerated. In summary, the available evidence is currently insufficient to determine the role of this variant in disease. Therefore, it has been classified as a Variant of Uncertain Significance.

NM_000787.4(DBH):c.26G>A (p.Ser9Asn)

Gene: DBH (dopamine beta-hydroxylase; plus strand). Cytogenetic location: 9q34.2.
Variant type: single nucleotide variant.
Coding change: c.26G>A on transcript NM_000787.4 (MANE Select); coding-DNA position 26, G replaced by A.
Protein change: p.Ser9Asn; replaces serine 9 with asparagine.
Molecular consequence: missense variant.
Genome position (GRCh38, 1-based): chr9:133,636,397, G>A. VCF-style: chr9-133636397-G-A. GRCh37 (hg19) VCF-style: chr9-136501519-G-A.
Other names: short protein forms S9N.
Identifiers: ClinVar variation 1487845 (VCV001487845.5), dbSNP rs1191237522, ClinGen allele CA375406198.